The following is an entry in ClinVar:

NM_001371986.1(UNC80):c.4197C>A (p.Asp1399Glu)

Gene: UNC80 (unc-80 subunit of NALCN channel complex; plus strand). Cytogenetic location: 2q34.
Variant type: single nucleotide variant.
Coding change: c.4197C>A on transcript NM_001371986.1 (MANE Select); coding-DNA position 4197, C replaced by A.
Protein change: p.Asp1399Glu; replaces aspartic acid 1399 with glutamic acid.
Molecular consequence: missense variant.
Genome position (GRCh38, 1-based): chr2:209,888,181, C>A. VCF-style: chr2-209888181-C-A. GRCh37 (hg19) VCF-style: chr2-210752905-C-A.
Other names: c.4203C>A, p.Asp1401Glu (NM_032504.2); c.4188C>A, p.Asp1396Glu (NM_182587.4); short protein forms D1396E, D1399E, D1401E.
Identifiers: ClinVar variation 3624921 (VCV003624921.2).

ClinVar aggregate classification (germline): Uncertain significance (1 of 4 stars; one submission).

gnomAD v4.1: 2 of 1,551,540 alleles (0.00013%); highest among the groups gnomAD compares: Non-Finnish European, 0.00017%; no homozygotes.

Submission:

Labcorp Genetics (formerly Invitae), Labcorp
Classification: Uncertain significance. Last evaluated: 2024-11-07. Review status: criteria provided, single submitter. Criteria: Invitae Variant Classification Sherloc (09022015). Collection method: clinical testing. Allele origin: germline.
Comment: This sequence change replaces aspartic acid, which is acidic and polar, with glutamic acid, which is acidic and polar, at codon 1401 of the UNC80 protein (p.Asp1401Glu). This variant is not present in population databases (gnomAD no frequency). This variant has not been reported in the literature in individuals affected with UNC80-related conditions. Invitae Evidence Modeling of protein sequence and biophysical properties (such as structural, functional, and spatial information, amino acid conservation, physicochemical variation, residue mobility, and thermodynamic stability) indicates that this missense variant is not expected to disrupt UNC80 protein function with a negative predictive value of 80%. In summary, the available evidence is currently insufficient to determine the role of this variant in disease. Therefore, it has been classified as a Variant of Uncertain Significance.